The following is an entry in ClinVar:

ClinVar aggregate classification (germline): Uncertain significance (1 of 4 stars; one submission).

Conditions:
Intellectual developmental disorder, autosomal dominant 1. Also called: MBD5 Haploinsufficiency; Intellectual disability, autosomal dominant 1. Identifiers: Orphanet 228402, MedGen C1969562, MONDO:0007974, OMIM 156200.

gnomAD v4.1: 1 of 1,614,078 alleles (0.000062%); highest among the groups gnomAD compares: Non-Finnish European, 0.000085%; no homozygotes.

Submission:

Labcorp Genetics (formerly Invitae), Labcorp
Classification: Uncertain significance for Intellectual developmental disorder, autosomal dominant 1. Last evaluated: 2025-05-01. Review status: criteria provided, single submitter. Criteria: Invitae Variant Classification Sherloc (09022015). Collection method: clinical testing. Allele origin: germline.
Comment: This sequence change replaces alanine, which is neutral and non-polar, with threonine, which is neutral and polar, at codon 1005 of the MBD5 protein (p.Ala1005Thr). This variant is not present in population databases (gnomAD no frequency). This variant has not been reported in the literature in individuals affected with MBD5-related conditions. Invitae Evidence Modeling of protein sequence and biophysical properties (such as structural, functional, and spatial information, amino acid conservation, physicochemical variation, residue mobility, and thermodynamic stability) indicates that this missense variant is not expected to disrupt MBD5 protein function with a negative predictive value of 80%. In summary, the available evidence is currently insufficient to determine the role of this variant in disease. Therefore, it has been classified as a Variant of Uncertain Significance.

NM_001378120.1(MBD5):c.3712G>A (p.Ala1238Thr)

Gene: MBD5 (methyl-CpG binding domain protein 5; plus strand). Cytogenetic location: 2q23.1.
Variant type: single nucleotide variant.
Coding change: c.3712G>A on transcript NM_001378120.1 (MANE Select); coding-DNA position 3712, G replaced by A.
Protein change: p.Ala1238Thr; replaces alanine 1238 with threonine.
Molecular consequence: missense variant.
Genome position (GRCh38, 1-based): chr2:148,485,909, G>A. VCF-style: chr2-148485909-G-A. GRCh37 (hg19) VCF-style: chr2-149243478-G-A.
Other names: c.3712G>A, p.Ala1238Thr (NM_001438854.1, NM_001438856.1, NM_001438857.1 and 1 more transcripts); c.3013G>A, p.Ala1005Thr (NM_001438855.1, NM_001438859.1, NM_001438860.1 and 3 more transcripts); short protein forms A1238T, A1005T.
Identifiers: ClinVar variation 4743685 (VCV004743685.1).